The following is an entry in ClinVar:

NM_000218.3(KCNQ1):c.83C>G (p.Ala28Gly)

Gene: KCNQ1 (potassium voltage-gated channel subfamily Q member 1; plus strand). Cytogenetic location: 11p15.5.
Variant type: single nucleotide variant.
Coding change: c.83C>G on transcript NM_000218.3 (MANE Select); coding-DNA position 83, C replaced by G.
Protein change: p.Ala28Gly; replaces alanine 28 with glycine.
Molecular consequence: missense variant.
Genome position (GRCh38, 1-based): chr11:2,445,181, C>G. VCF-style: chr11-2445181-C-G. GRCh37 (hg19) VCF-style: chr11-2466411-C-G.
Other names: short protein forms A28G.
Identifiers: ClinVar variation 1036317 (VCV001036317.9), dbSNP rs767089696, ClinGen allele CA379116104.
Genomic context (GRCh38, chr11:2,445,181, plus strand): 5'-CCAGGGCCGAGAGGAAGCGCTGGGGTTGGGGCCGCCTGCCAGGCGCCCGGCGGGGCAGCG[C>G]GGGCCTGGCCAAGAAGTGCCCCTTCTCGCTGGAGCTGGCGGAGGGCGGCCCGGCGGGCGG-3'
Protein context (NP_000209.2, residues 18-38): GRLPGARRGS[Ala28Gly]GLAKKCPFSL

ClinVar aggregate classification (germline): Uncertain significance (1 of 4 stars; one submission).

Conditions:
Long QT syndrome (LQTS). Identifiers: MedGen C0023976, MeSH D008133, MONDO:0002442. Disease mechanism: loss of function. Inheritance: Various modes of inheritance.

Submission:

Labcorp Genetics (formerly Invitae), Labcorp
Classification: Uncertain significance for Long QT syndrome. Last evaluated: 2025-12-19. Review status: criteria provided, single submitter. Criteria: Invitae Variant Classification Sherloc (09022015). Collection method: clinical testing. Allele origin: germline.
Comment: This sequence change replaces alanine, which is neutral and non-polar, with glycine, which is neutral and non-polar, at codon 28 of the KCNQ1 protein (p.Ala28Gly). This variant is not present in population databases (gnomAD no frequency). This variant has not been reported in the literature in individuals affected with KCNQ1-related conditions. ClinVar contains an entry for this variant (Variation ID: 1036317). Invitae Evidence Modeling of protein sequence and biophysical properties (such as structural, functional, and spatial information, amino acid conservation, physicochemical variation, residue mobility, and thermodynamic stability) indicates that this missense variant is not expected to disrupt KCNQ1 protein function with a negative predictive value of 95%. In summary, the available evidence is currently insufficient to determine the role of this variant in disease. Therefore, it has been classified as a Variant of Uncertain Significance.